The following is an entry in ClinVar:

ClinVar aggregate classification (germline): Uncertain significance (1 of 4 stars; one submission).

Submission:

Labcorp Genetics (formerly Invitae), Labcorp
Classification: Uncertain significance. Last evaluated: 2023-10-22. Review status: criteria provided, single submitter. Criteria: Invitae Variant Classification Sherloc (09022015). Collection method: clinical testing. Allele origin: germline.
Comment: This sequence change replaces histidine, which is basic and polar, with glutamine, which is neutral and polar, at codon 28 of the INSR protein (p.His28Gln). This variant is not present in population databases (gnomAD no frequency). This variant has not been reported in the literature in individuals affected with INSR-related conditions. Advanced modeling of protein sequence and biophysical properties (such as structural, functional, and spatial information, amino acid conservation, physicochemical variation, residue mobility, and thermodynamic stability) performed at Invitae indicates that this missense variant is not expected to disrupt INSR protein function. In summary, the available evidence is currently insufficient to determine the role of this variant in disease. Therefore, it has been classified as a Variant of Uncertain Significance.

NM_000208.4(INSR):c.84C>G (p.His28Gln)

Genes: INSR (insulin receptor; minus strand), LOC130063353 (ATAC-STARR-seq lymphoblastoid silent region 9974; plus strand). Cytogenetic location: 19p13.2.
Variant type: single nucleotide variant.
Coding change: c.84C>G on transcript NM_000208.4 (MANE Select); coding-DNA position 84, C replaced by G.
Protein change: p.His28Gln; replaces histidine 28 with glutamine.
Molecular consequence: missense variant.
Genome position (GRCh38, 1-based): chr19:7,293,808, G>C on the plus strand (C>G on the coding strand, the complement: INSR is on the minus strand). VCF-style: chr19-7293808-G-C. GRCh37 (hg19) VCF-style: chr19-7293819-G-C.
Other names: c.84C>G, p.His28Gln (NM_001079817.3); short protein forms H28Q.
Identifiers: ClinVar variation 2770673 (VCV002770673.3), dbSNP rs755298967, ClinGen allele CA403162512.